The following is an entry in ClinVar:

NM_005198.5(CHKB):c.331C>T (p.Gln111Ter)

Genes: CHKB-CPT1B (CHKB-CPT1B readthrough (NMD candidate); minus strand), CHKB (choline kinase beta; minus strand). Cytogenetic location: 22q13.33.
Variant type: single nucleotide variant.
Coding change: c.331C>T on transcript NM_005198.5 (MANE Select); coding-DNA position 331, C replaced by T.
Protein change: p.Gln111Ter; replaces glutamine 111 with a stop codon.
Molecular consequence: nonsense. On other transcripts: non-coding transcript variant (1).
Genome position (GRCh38, 1-based): chr22:50,582,251, G>A on the plus strand (C>T on the coding strand, the complement: CHKB is on the minus strand). VCF-style: chr22-50582251-G-A. GRCh37 (hg19) VCF-style: chr22-51020680-G-A.
Other names: short protein forms Q111*.
Identifiers: ClinVar variation 2887323 (VCV002887323.4), dbSNP rs2070708365, ClinGen allele CA412202197.

ClinVar aggregate classification (germline): Pathogenic. Review status: criteria provided, multiple submitters, no conflicts (2 of 4 stars). 2 submissions from 2 submitters: Pathogenic (2). Last evaluated 2023-06-16.

Conditions:
Megaconial type congenital muscular dystrophy (MDCMC). Also called: MUSCULAR DYSTROPHY, CONGENITAL, WITH MITOCHONDRIAL STRUCTURAL ABNORMALITIES; CHKB-Related Muscle Diseases; CHKB-Related Muscular Dystrophy. Identifiers: Orphanet 280671, MedGen C1865233, MONDO:0011246, OMIM 602541.

Allele frequency attached by ClinVar (database versions not stated): gnomAD exomes below 0.00001.
gnomAD v4.1: 2 of 1,587,350 alleles (0.00013%); highest among the groups gnomAD compares: South Asian, 0.0012%; no homozygotes.

Submissions (2):

GeneDx
Classification: Pathogenic. Last evaluated: 2023-06-16. Review status: criteria provided, single submitter. Criteria: GeneDx Variant Classification Process June 2021. Collection method: clinical testing. Allele origin: germline. Affected: yes.
Comment: Nonsense variant predicted to result in protein truncation or nonsense mediated decay in a gene for which loss of function is a known mechanism of disease; Not observed at significant frequency in large population cohorts (gnomAD); Has not been previously published as pathogenic or benign to our knowledge; This variant is associated with the following publications: (PMID: 31926838)

Labcorp Genetics (formerly Invitae), Labcorp
Classification: Pathogenic for Megaconial type congenital muscular dystrophy. Last evaluated: 2023-05-16. Review status: criteria provided, single submitter. Criteria: Invitae Variant Classification Sherloc (09022015). Collection method: clinical testing. Allele origin: germline.
Comment: This sequence change creates a premature translational stop signal (p.Gln111*) in the CHKB gene. It is expected to result in an absent or disrupted protein product. Loss-of-function variants in CHKB are known to be pathogenic (PMID: 21665002). For these reasons, this variant has been classified as Pathogenic. Algorithms developed to predict the effect of sequence changes on RNA splicing suggest that this variant may create or strengthen a splice site. This variant has not been reported in the literature in individuals affected with CHKB-related conditions. This variant is not present in population databases (gnomAD no frequency).

Literature cited by the submitters: PubMed 21665002 (cited by Labcorp Genetics (formerly Invitae), Labcorp).